The following is an entry in ClinVar:

ClinVar aggregate classification (germline): Uncertain significance. Review status: criteria provided, multiple submitters, no conflicts (2 of 4 stars). 2 submissions from 2 submitters: Uncertain significance (2). Last evaluated 2026-08-08.

Conditions:
Cardiovascular phenotype. Identifiers: MedGen CN230736.

gnomAD v4.1: 2 of 1,613,460 alleles (0.00012%); highest among the groups gnomAD compares: East Asian, 0.0045%; no homozygotes.

Submissions (2):

Ambry Genetics
Classification: Uncertain significance for Cardiovascular phenotype. Last evaluated: 2026-08-08. Review status: criteria provided, single submitter. Criteria: Ambry Variant Classification Scheme 2023. Collection method: clinical testing. Allele origin: germline.
Comment: The p.W2047G variant (also known as c.6139T>G), located in coding exon 37 of the FLNC gene, results from a T to G substitution at nucleotide position 6139. The tryptophan at codon 2047 is replaced by glycine, an amino acid with highly dissimilar properties. This amino acid position is conserved. In addition, this alteration is predicted to be tolerated by in silico analysis. Based on the available evidence, the clinical significance of this variant remains unclear.

GeneDx
Classification: Uncertain significance. Last evaluated: 2024-04-18. Review status: criteria provided, single submitter. Criteria: GeneDx Variant Classification Process June 2021. Collection method: clinical testing. Allele origin: germline. Affected: yes.
Comment: Not observed at significant frequency in large population cohorts (gnomAD); In silico analysis supports that this missense variant has a deleterious effect on protein structure/function; Has not been previously published as pathogenic or benign to our knowledge

NM_001458.5(FLNC):c.6139T>G (p.Trp2047Gly)

Genes: FLNC (filamin C; plus strand), FLNC-AS1 (FLNC antisense RNA 1; minus strand). Cytogenetic location: 7q32.1.
Variant type: single nucleotide variant.
Coding change: c.6139T>G on transcript NM_001458.5 (MANE Select); coding-DNA position 6139, T replaced by G.
Protein change: p.Trp2047Gly; replaces tryptophan 2047 with glycine.
Molecular consequence: missense variant.
Genome position (GRCh38, 1-based): chr7:128,852,962, T>G. VCF-style: chr7-128852962-T-G. GRCh37 (hg19) VCF-style: chr7-128493016-T-G.
Other names: c.6040T>G, p.Trp2014Gly (NM_001127487.2); short protein forms W2014G, W2047G.
Identifiers: ClinVar variation 3372698 (VCV003372698.2).
Genomic context (GRCh38, chr7:128,852,962, plus strand): 5'-AGCCCCTTCAAGATCCTGGTGGGGCCATCTGAGATCGGGGACGCCAGCAAGGTGCGGGTC[T>G]GGGGCAAGGGGCTTTCCGAGGGACACACATTCCAGGTGGCAGAGTTCATCGTGGACACTC-3'
Protein context (NP_001449.3, residues 2037-2057): EIGDASKVRV[Trp2047Gly]GKGLSEGHTF